The following is an entry in ClinVar:

ClinVar aggregate classification (germline): Uncertain significance (1 of 4 stars; one submission).

Conditions:
Microcephaly, normal intelligence and immunodeficiency (NBS). Also called: Nijmegen breakage syndrome; Microcephaly with normal intelligence immunodeficiency and lymphoreticular malignancies; Nonsyndromal microcephaly autosomal recessive with normal intelligence; Seemanova syndrome 2; IMMUNODEFICIENCY, MICROCEPHALY, AND CHROMOSOMAL INSTABILITY; SEEMANOVA SYNDROME II. Identifiers: Orphanet 647, MedGen C0398791, MONDO:0009623, OMIM 251260.

Submission:

Labcorp Genetics (formerly Invitae), Labcorp
Classification: Uncertain significance for Microcephaly, normal intelligence and immunodeficiency. Last evaluated: 2021-01-28. Review status: criteria provided, single submitter. Criteria: Invitae Variant Classification Sherloc (09022015). Collection method: clinical testing. Allele origin: germline.
Comment: This variant has not been reported in the literature in individuals with NBN-related conditions. This variant is not present in population databases (ExAC no frequency). This sequence change replaces isoleucine with valine at codon 221 of the NBN protein (p.Ile221Val). The isoleucine residue is moderately conserved and there is a small physicochemical difference between isoleucine and valine. In summary, the available evidence is currently insufficient to determine the role of this variant in disease. Therefore, it has been classified as a Variant of Uncertain Significance. Algorithms developed to predict the effect of missense changes on protein structure and function (SIFT, PolyPhen-2, Align-GVGD) all suggest that this variant is likely to be tolerated, but these predictions have not been confirmed by published functional studies and their clinical significance is uncertain.

NM_002485.5(NBN):c.661A>G (p.Ile221Val)

Gene: NBN (nibrin; minus strand). Cytogenetic location: 8q21.3.
Variant type: single nucleotide variant.
Coding change: c.661A>G on transcript NM_002485.5 (MANE Select); coding-DNA position 661, A replaced by G.
Protein change: p.Ile221Val; replaces isoleucine 221 with valine.
Molecular consequence: missense variant.
Genome position (GRCh38, 1-based): chr8:89,971,214, T>C on the plus strand (A>G on the coding strand, the complement: NBN is on the minus strand). VCF-style: chr8-89971214-T-C. GRCh37 (hg19) VCF-style: chr8-90983442-T-C.
Other names: c.415A>G, p.Ile139Val (NM_001024688.3); short protein forms I139V, I221V.
Identifiers: ClinVar variation 1480091 (VCV001480091.8), dbSNP rs2129838150, ClinGen allele CA371659067.